The following is an entry in ClinVar:

NM_080680.3(COL11A2):c.4705C>T (p.Arg1569Cys)

Gene: COL11A2 (collagen type XI alpha 2 chain; minus strand). Cytogenetic location: 6p21.32.
Variant type: single nucleotide variant.
Coding change: c.4705C>T on transcript NM_080680.3 (MANE Select); coding-DNA position 4705, C replaced by T.
Protein change: p.Arg1569Cys; replaces arginine 1569 with cysteine.
Molecular consequence: missense variant.
Genome position (GRCh38, 1-based): chr6:33,165,594, G>A on the plus strand (C>T on the coding strand, the complement: COL11A2 is on the minus strand). VCF-style: chr6-33165594-G-A. GRCh37 (hg19) VCF-style: chr6-33133371-G-A.
Other names: c.4384C>T, p.Arg1462Cys (NM_080679.3); c.4447C>T, p.Arg1483Cys (NM_080681.3); short protein forms R1569C, R1483C, R1462C.
Identifiers: ClinVar variation 178688 (VCV000178688.19), dbSNP rs727504458, ClinGen allele CA182788.
Genomic context (GRCh38, chr6:33,165,594, plus strand): 5'-GAGGCTAGCACTGACCATCGGGAAGCTCTGGGTGGCACAGCTTCAGGTCCTGGCAGGTGC[G>A]AGCAGGGCTGTCCTGGGTCCCTGTTGGCCGCCTCATCTGCTCGATCTCCTCCCGCAGGGA-3'
Protein context (NP_542411.2, residues 1559-1579): RPTGTQDSPA[Arg1569Cys]TCQDLKLCHP

ClinVar aggregate classification (germline): Conflicting classifications of pathogenicity. Review status: criteria provided, conflicting classifications (1 of 4 stars). 5 submissions from 5 submitters: Uncertain significance (4); Benign (1). Last evaluated 2025-11-12.

Conditions:
Inborn genetic diseases. Identifiers: MedGen C0950123, MeSH D030342.
Otospondylomegaepiphyseal dysplasia, autosomal recessive (OSMEDB). Also called: Insley-Astley syndrome; CHONDRODYSTROPHY WITH SENSORINEURAL DEAFNESS. Identifiers: Orphanet 1427, MedGen CN034493, MONDO:0044206, OMIM 215150.
Otospondylomegaepiphyseal dysplasia, autosomal dominant (OSMEDA). Also called: Pierre Robin syndrome with fetal chondrodysplasia; COL11A2-Related Stickler Syndrome; Stickler syndrome, type 3. Identifiers: Orphanet 166100, Orphanet 3450, MedGen C1848488, MONDO:0008490, OMIM 184840.
Fibrochondrogenesis 2 (FBCG2). Identifiers: Orphanet 2021, MedGen C3281128, MONDO:0013795, OMIM 614524.
Autosomal recessive nonsyndromic hearing loss 53. Identifiers: Orphanet 90636, MedGen C1864746, MONDO:0012333, OMIM 609706.
Autosomal dominant nonsyndromic hearing loss 13. Identifiers: Orphanet 90635, MedGen C1866095, MONDO:0011159, OMIM 601868.

Allele frequency attached by ClinVar (database versions not stated): gnomAD exomes below 0.00001; gnomAD 0.00005 and 0.00006; TOPMed 0.00006.
gnomAD v4.1: 26 of 1,613,326 alleles (0.0016%); highest among the groups gnomAD compares: African/African-American, 0.013%; no homozygotes.

Submissions (5):

Ambry Genetics
Classification: Uncertain significance for Inborn genetic diseases. Last evaluated: 2025-11-12. Review status: criteria provided, single submitter. Criteria: Ambry Variant Classification Scheme 2023. Collection method: clinical testing. Allele origin: germline.

Labcorp Genetics (formerly Invitae), Labcorp
Classification: Benign. Last evaluated: 2025-09-16. Review status: criteria provided, single submitter. Criteria: Invitae Variant Classification Sherloc (09022015). Collection method: clinical testing. Allele origin: germline.

GeneDx
Classification: Uncertain significance. Last evaluated: 2024-04-15. Review status: criteria provided, single submitter. Criteria: GeneDx Variant Classification Process June 2021. Collection method: clinical testing. Allele origin: germline. Affected: yes.
Comment: Not observed at significant frequency in large population cohorts (gnomAD); In silico analysis supports that this missense variant has a deleterious effect on protein structure/function; Has not been previously published as pathogenic or benign to our knowledge

Fulgent Genetics
Classification: Uncertain significance for Otospondylomegaepiphyseal dysplasia, autosomal dominant; Otospondylomegaepiphyseal dysplasia, autosomal recessive; Autosomal dominant nonsyndromic hearing loss 13; Autosomal recessive nonsyndromic hearing loss 53; Fibrochondrogenesis 2. Last evaluated: 2024-03-26. Review status: criteria provided, single submitter. Criteria: ACMG Guidelines, 2015. Collection method: clinical testing. Allele origin: germline.

Laboratory for Molecular Medicine, Mass General Brigham Personalized Medicine
Classification: Uncertain significance. Last evaluated: 2013-04-05. Review status: criteria provided, single submitter. Criteria: LMM Criteria. Collection method: clinical testing. Allele origin: germline. Observed: 1 variant allele.
Comment: The Arg1569Cys variant in COL11A2 has not been reported in affected individuals or in large population studies. Computational analyses (biochemical amino acid p roperties, conservation, AlignGVGD, PolyPhen2, and SIFT) suggest that the Arg156 9Cys variant may impact the protein, though this information is not predictive e nough to determine pathogenicity. In summary, the clinical significance of this variant cannot be determined with certainty.